The following is an entry in ClinVar:

ClinVar aggregate classification (germline): Pathogenic/Likely pathogenic. Review status: criteria provided, multiple submitters, no conflicts (2 of 4 stars). 3 submissions from 3 submitters: Pathogenic (2); Likely pathogenic (1). Last evaluated 2023-05-05.

Conditions:
MTO1-related disorder. Also called: MTO1-related condition.
Mitochondrial hypertrophic cardiomyopathy with lactic acidosis due to MTO1 deficiency. Also called: CARDIOMYOPATHY, INFANTILE HYPERTROPHIC MITOCHONDRIAL, AND LACTIC ACIDOSIS; Combined oxidative phosphorylation deficiency 10. Identifiers: Orphanet 314637, MedGen C4749921, MONDO:0013865, OMIM 614702.

Submissions (3):

PreventionGenetics, part of Exact Sciences
Classification: Likely pathogenic for MTO1-related condition. Last evaluated: 2023-05-05. Review status: criteria provided, single submitter. Criteria: ACMG Guidelines, 2015. Collection method: clinical testing. Allele origin: germline.
Comment: The MTO1 c.402_403delTA variant is predicted to result in premature protein termination (p.Tyr134*). This variant was reported in a compound heterozygous individual with MTO1 deficiency (Patient 9, O'Byrne et al 2018. PubMed ID: 29331171). This variant is reported in 0.0018% of alleles in individuals of European (Non-Finnish) descent in gnomAD. Truncating variants in MTO1 are expected to be pathogenic. This variant is interpreted as likely pathogenic.

Labcorp Genetics (formerly Invitae), Labcorp
Classification: Pathogenic for Mitochondrial hypertrophic cardiomyopathy with lactic acidosis due to MTO1 deficiency. Last evaluated: 2022-11-04. Review status: criteria provided, single submitter. Criteria: Invitae Variant Classification Sherloc (09022015). Collection method: clinical testing. Allele origin: germline.
Comment: This sequence change creates a premature translational stop signal (p.Tyr134*) in the MTO1 gene. It is expected to result in an absent or disrupted protein product. Loss-of-function variants in MTO1 are known to be pathogenic (PMID: 22608499, 25058219). This variant is present in population databases (rs769532203, gnomAD 0.0009%). This premature translational stop signal has been observed in individual(s) with combined oxidative phosphorylation deficiency (PMID: 29331171). ClinVar contains an entry for this variant (Variation ID: 1328761). For these reasons, this variant has been classified as Pathogenic.

GeneDx
Classification: Pathogenic. Last evaluated: 2021-12-13. Review status: criteria provided, single submitter. Criteria: GeneDx Variant Classification Process June 2021. Collection method: clinical testing. Allele origin: germline. Affected: yes.
Comment: Not observed at significant frequency in large population cohorts (Lek et al., 2016); Nonsense variant predicted to result in protein truncation or nonsense mediated decay in a gene for which loss-of-function is a known mechanism of disease; This variant is associated with the following publications: (PMID: 29331171)

Literature cited by the submitters: PubMed 22608499 (cited by Labcorp Genetics (formerly Invitae), Labcorp); PubMed 25058219 (cited by Labcorp Genetics (formerly Invitae), Labcorp); PubMed 29331171 (cited by Labcorp Genetics (formerly Invitae), Labcorp).

NM_012123.4(MTO1):c.402_403del (p.Tyr134_Lys135delinsTer)

Gene: MTO1 (mitochondrial tRNA translation optimization 1; plus strand). Cytogenetic location: 6q13.
Variant type: Microsatellite.
Coding change: c.402_403del on transcript NM_012123.4 (MANE Select); coding-DNA positions 402 to 403, 2 bases deleted (TA; older notation c.402_403delTA).
Protein change: p.Tyr134_Lys135delinsTer.
Molecular consequence: nonsense.
Genome position (GRCh38, 1-based): chr6:73,466,393-73,466,394, TA deleted; deleting any 2 consecutive bases within chr6:73,466,391-73,466,394 gives the same sequence; the c. name uses the placement nearest the transcript's 3' end. VCF-style (leftmost placement, unchanged base first): chr6-73466390-CTA-C. GRCh37 (hg19) VCF-style: chr6-74176113-CTA-C.
Other names: c.402_403delTA (NM_012123.3); c.402_403del, p.Tyr134_Lys135delinsTer (NM_001123226.2, NM_133645.3).
Identifiers: ClinVar variation 1328761 (VCV001328761.6), dbSNP rs769532203, ClinGen allele CA3889327.